The following is an entry in ClinVar:

NM_000019.4(ACAT1):c.677G>A (p.Trp226Ter)

Gene: ACAT1 (acetyl-CoA acetyltransferase 1; plus strand). Cytogenetic location: 11q22.3.
Variant type: single nucleotide variant.
Coding change: c.677G>A on transcript NM_000019.4 (MANE Select); coding-DNA position 677, G replaced by A.
Protein change: p.Trp226Ter; replaces tryptophan 226 with a stop codon.
Molecular consequence: nonsense. On other transcripts: non-coding transcript variant (2).
Genome position (GRCh38, 1-based): chr11:108,140,162, G>A. VCF-style: chr11-108140162-G-A. GRCh37 (hg19) VCF-style: chr11-108010889-G-A.
Other names: c.677G>A (NM_000019.3); c.677G>A, p.Trp226Ter (NM_001386677.1); c.362G>A, p.Trp121Ter (NM_001386678.1); c.380G>A, p.Trp127Ter (NM_001386679.1); c.407G>A, p.Trp136Ter (NM_001386681.1, NM_001386682.1, NM_001386685.1 and 6 more transcripts); short protein forms W121*, W127*, W136*, W226*.
Identifiers: ClinVar variation 4806202 (VCV004806202.3).

ClinVar aggregate classification (germline): Pathogenic/Likely pathogenic. Review status: criteria provided, multiple submitters, no conflicts (2 of 4 stars). 3 submissions from 3 submitters: Pathogenic (2); Likely pathogenic (1). Last evaluated 2025-12-12.

Conditions:
Deficiency of acetyl-CoA acetyltransferase. Also called: 3-KETOTHIOLASE DEFICIENCY; 3-OXOTHIOLASE DEFICIENCY; MITOCHONDRIAL ACETOACETYL-CoA THIOLASE DEFICIENCY; Beta-ketothiolase deficiency. Identifiers: Orphanet 134, MedGen C1536500, MONDO:0008760, OMIM 203750. Disease mechanism: loss of function.

Submissions (3):

Natera, Inc.
Classification: Likely pathogenic for Alpha-methylacetoacetic aciduria. Last evaluated: 2025-12-12. Review status: criteria provided, single submitter. Criteria: Natera Variant Classification Schema (03/2026). Collection method: clinical testing. Allele origin: germline.
Comment: The c.677G>A variant in ACAT1 is a nonsense variant predicted to introduce a stop codon at amino acid 226. This variant is expected to result in nonsense mediated decay, truncation, or a dysfunctional protein product. This variant is rare in the general population with a frequency below the threshold expected for the associated phenotype(s). Given the available evidence, this variant is classified as Likely Pathogenic.

Labcorp Genetics (formerly Invitae), Labcorp
Classification: Pathogenic for Deficiency of acetyl-CoA acetyltransferase. Last evaluated: 2025-10-19. Review status: criteria provided, single submitter. Criteria: Invitae Variant Classification Sherloc (09022015). Collection method: clinical testing. Allele origin: germline.
Comment: This sequence change creates a premature translational stop signal (p.Trp226*) in the ACAT1 gene. It is expected to result in an absent or disrupted protein product. Loss-of-function variants in ACAT1 are known to be pathogenic (PMID: 7749408). This variant is not present in population databases (gnomAD no frequency). This variant has not been reported in the literature in individuals affected with ACAT1-related conditions. For these reasons, this variant has been classified as Pathogenic.

Myriad Genetics, Inc.
Classification: Pathogenic for Deficiency of acetyl-CoA acetyltransferase. Last evaluated: 2025-07-15. Review status: criteria provided, single submitter. Criteria: Myriad Autosomal Dominant, Autosomal Recessive and X-Linked Classification Criteria (2023). Collection method: clinical testing. Allele origin: unknown.
Comment: NM_000019.3(ACAT1):c.677G>A(W226*) is expected to be pathogenic in the context of beta-ketothiolase deficiency. This variant is predicted to lead to an abnormal or absent protein product due to the creation of a premature termination codon in ACAT1, a gene where loss-of-function variants are known to be pathogenic. Please note: this variant was assessed in the context of healthy population screening.

Literature cited by the submitters: PubMed 7749408 (cited by Labcorp Genetics (formerly Invitae), Labcorp).